The following is an entry in ClinVar:

NM_014855.3(AP5Z1):c.55G>A (p.Glu19Lys)

Gene: AP5Z1 (adaptor related protein complex 5 subunit zeta 1; plus strand). Cytogenetic location: 7p22.1.
Variant type: single nucleotide variant.
Coding change: c.55G>A on transcript NM_014855.3 (MANE Select); coding-DNA position 55, G replaced by A.
Protein change: p.Glu19Lys; replaces glutamic acid 19 with lysine.
Molecular consequence: missense variant. On other transcripts: 5 prime UTR variant (1), non-coding transcript variant (1).
Genome position (GRCh38, 1-based): chr7:4,781,188, G>A. VCF-style: chr7-4781188-G-A. GRCh37 (hg19) VCF-style: chr7-4820819-G-A.
Other names: c.55G>A, p.Glu19Lys (LRG_1247t1); c.-227G>A (NM_001364858.1); short protein forms E19K.
Identifiers: ClinVar variation 546254 (VCV000546254.3), dbSNP rs548498106, ClinGen allele CA4137026.

ClinVar aggregate classification (germline): Uncertain significance. Review status: criteria provided, multiple submitters, no conflicts (2 of 4 stars). 2 submissions from 2 submitters: Uncertain significance (2). Last evaluated 2025-03-31.

Conditions:
Inborn genetic diseases. Identifiers: MedGen C0950123, MeSH D030342.

Allele frequency attached by ClinVar (database versions not stated): ExAC 0.00005; 1000 Genomes Project 30x 0.00031; TOPMed 0.00002; 1000 Genomes Project 0.00020; gnomAD exomes 0.00003.
gnomAD v4.1: 15 of 1,613,690 alleles (0.00093%); highest among the groups gnomAD compares: Middle Eastern, 0.017%; no homozygotes.

Submissions (2):

Ambry Genetics
Classification: Uncertain significance for Inborn genetic diseases. Last evaluated: 2025-03-31. Review status: criteria provided, single submitter. Criteria: Ambry Variant Classification Scheme 2023. Collection method: clinical testing. Allele origin: germline.

GeneDx
Classification: Uncertain significance. Last evaluated: 2018-05-18. Review status: criteria provided, single submitter. Criteria: GeneDx Variant Classification (06012015). Collection method: clinical testing. Allele origin: germline. Affected: yes.
Comment: The E19K variant in the AP5Z1 gene has not been reported previously as a pathogenic variant, nor as a benign variant, to our knowledge. Although not observed in the homozygous state, the E19K variant is observed in 4/17246 (0.023%) alleles from individuals of East Asian background and 7/246156 (0.0028%) total alleles in large population cohorts (Lek et al., 2016). The E19K variant is a non-conservative amino acid substitution, which is likely to impact secondary protein structure as these residues differ in polarity, charge, size and/or other properties. In-silico analyses, including protein predictors and evolutionary conservation, support that this variant does not alter protein structure/function. We interpret E19K as a variant of uncertain significance.